The following is an entry in ClinVar:

ClinVar aggregate classification (germline): Uncertain significance (1 of 4 stars; one submission).

gnomAD v4.1: 3 of 1,606,310 alleles (0.00019%); highest among the groups gnomAD compares: Non-Finnish European, 0.00025%; no homozygotes.

Submission:

Labcorp Genetics (formerly Invitae), Labcorp
Classification: Uncertain significance. Last evaluated: 2024-11-18. Review status: criteria provided, single submitter. Criteria: Invitae Variant Classification Sherloc (09022015). Collection method: clinical testing. Allele origin: germline.
Comment: This sequence change replaces proline, which is neutral and non-polar, with leucine, which is neutral and non-polar, at codon 24 of the SLC46A1 protein (p.Pro24Leu). The frequency data for this variant in the population databases is considered unreliable, as metrics indicate poor data quality at this position in the gnomAD database. This variant has not been reported in the literature in individuals affected with SLC46A1-related conditions. Invitae Evidence Modeling of protein sequence and biophysical properties (such as structural, functional, and spatial information, amino acid conservation, physicochemical variation, residue mobility, and thermodynamic stability) indicates that this missense variant is not expected to disrupt SLC46A1 protein function with a negative predictive value of 80%. In summary, the available evidence is currently insufficient to determine the role of this variant in disease. Therefore, it has been classified as a Variant of Uncertain Significance.

NM_080669.6(SLC46A1):c.71C>T (p.Pro24Leu)

Gene: SLC46A1 (solute carrier family 46 member 1; minus strand). Cytogenetic location: 17q11.2.
Variant type: single nucleotide variant.
Coding change: c.71C>T on transcript NM_080669.6 (MANE Select); coding-DNA position 71, C replaced by T.
Protein change: p.Pro24Leu; replaces proline 24 with leucine.
Molecular consequence: missense variant.
Genome position (GRCh38, 1-based): chr17:28,406,044, G>A on the plus strand (C>T on the coding strand, the complement: SLC46A1 is on the minus strand). VCF-style: chr17-28406044-G-A. GRCh37 (hg19) VCF-style: chr17-26733062-G-A.
Other names: c.71C>T, p.Pro24Leu (NM_001242366.3); short protein forms P24L.
Identifiers: ClinVar variation 3667471 (VCV003667471.2).
Genomic context (GRCh38, chr17:28,406,044, plus strand): 5'-GTGGTGAGCGGGCCCTGCAGGACCAAGGCAAAGTTGGCCAGGAAGACCAGCGGCTCTACC[G>A]GGCCCCGGCACAGCACGGCAGCCGCAGGGCGGGCGCGGGGCTTTTCCGGGGGGCTCGCGC-3'
Protein context (NP_542400.2, residues 14-34): RPAAAVLCRG[Pro24Leu]VEPLVFLANF